The following is an entry in ClinVar:

ClinVar aggregate classification (germline): Likely benign. Review status: criteria provided, multiple submitters, no conflicts (2 of 4 stars). 3 submissions from 3 submitters: Likely benign (3). Last evaluated 2025-03-12.

Conditions:
Neonatal-onset encephalopathy with rigidity and seizures. Also called: Lethal neonatal spasticity-epileptic encephalopathy syndrome. Identifiers: Orphanet 435845, MedGen C3281029, MONDO:0013784, OMIM 614498.

Allele frequency attached by ClinVar (database versions not stated): TOPMed 0.00002; gnomAD 0.00005 and 0.00006; gnomAD exomes 0.00010; ExAC 0.00017.
gnomAD v4.1: 119 of 1,598,252 alleles (0.0074%); highest among the groups gnomAD compares: Middle Eastern, 0.016%; no homozygotes.

Submissions (3):

Labcorp Genetics (formerly Invitae), Labcorp
Classification: Likely benign for Neonatal-onset encephalopathy with rigidity and seizures. Last evaluated: 2025-03-12. Review status: criteria provided, single submitter. Criteria: Invitae Variant Classification Sherloc (09022015). Collection method: clinical testing. Allele origin: germline.

Blueprint Genetics
Classification: Likely benign. Last evaluated: 2024-10-16. Review status: criteria provided, single submitter. Criteria: ACMG Guidelines, 2015. Collection method: clinical testing. Allele origin: germline.

CeGaT Center for Human Genetics Tuebingen
Classification: Likely benign. Last evaluated: 2022-05-01. Review status: criteria provided, single submitter. Criteria: CeGaT Center For Human Genetics Tuebingen Variant Classification Criteria Version 2. Collection method: clinical testing. Allele origin: germline. Affected: yes. Observed: 1 variant allele.
Comment: BRAT1: BP4

NM_152743.4(BRAT1):c.1791G>A (p.Leu597=)

Gene: BRAT1 (BRCA1 associated ATM activator 1; minus strand). Cytogenetic location: 7p22.3.
Variant type: single nucleotide variant.
Coding change: c.1791G>A on transcript NM_152743.4 (MANE Select); coding-DNA position 1791, G replaced by A.
Protein change: p.Leu597=; no amino-acid change (leucine 597 retained).
Molecular consequence: synonymous variant. On other transcripts: non-coding transcript variant (1).
Genome position (GRCh38, 1-based): chr7:2,538,744, C>T on the plus strand (G>A on the coding strand, the complement: BRAT1 is on the minus strand). VCF-style: chr7-2538744-C-T. GRCh37 (hg19) VCF-style: chr7-2578378-C-T.
Other names: c.1971G>A, p.Leu657= (NM_001350626.2); c.1266G>A, p.Leu422= (NM_001350627.2).
Identifiers: ClinVar variation 540179 (VCV000540179.34), dbSNP rs759517314, ClinGen allele CA4127560.
Genomic context (GRCh38, chr7:2,538,744, plus strand): 5'-AGTGAAGACTTGCATGACCGCCCGCCGTGGGAAGCCCTCCGAGTCTACGGAGAGGATGTG[C>T]AGGAGCTCCAGGAACAGGCTCTGGGGGACAGGGAGCAAGTGCGGATGGTTGGTGGGGTGG-3'
Protein context (NP_689956.2, residues 587-607): EARQSLFLEL[Leu597=]HILSVDSEGF